The following is an entry in ClinVar:

NM_000152.5(GAA):c.1195-8G>A

Gene: GAA (alpha glucosidase; plus strand). Cytogenetic location: 17q25.3.
Variant type: single nucleotide variant.
Coding change: c.1195-8G>A on transcript NM_000152.5 (MANE Select); 8 bases into the intron before coding-DNA position 1195, G replaced by A.
Molecular consequence: intron variant.
Genome position (GRCh38, 1-based): chr17:80,108,689, G>A. VCF-style: chr17-80108689-G-A. GRCh37 (hg19) VCF-style: chr17-78082488-G-A.
Other names: c.1195-8G>A (NM_001079803.3, NM_001079804.3, LRG_673t1).
Identifiers: ClinVar variation 570655 (VCV000570655.6), dbSNP rs1194778188, ClinGen allele CA658795245.

ClinVar aggregate classification (germline): Conflicting classifications of pathogenicity. Review status: criteria provided, conflicting classifications (1 of 4 stars). 3 submissions from 3 submitters: Likely pathogenic (1); Uncertain significance (2). Last evaluated 2026-07-01.

Conditions:
Glycogen storage disease, type II (IOPD). Also called: POMPE DISEASE, INFANTILE-ONSET; GLYCOGEN STORAGE DISEASE II, INFANTILE-ONSET; ACID ALPHA-GLUCOSIDASE DEFICIENCY, INFANTILE-ONSET; GAA DEFICIENCY, INFANTILE-ONSET; ACID MALTASE DEFICIENCY, INFANTILE-ONSET; CARDIOMEGALIA GLYCOGENICA DIFFUSA. Identifiers: Orphanet 365, MedGen C0017921, MONDO:0009290, OMIM 232300.

Allele frequency attached by ClinVar (database versions not stated): gnomAD 0.00001; TOPMed below 0.00001.

Submissions (3):

Genomenon, Inc
Classification: Likely pathogenic for Glycogen storage disease, type II. Last evaluated: 2026-07-01. Review status: criteria provided, single submitter. Criteria: Genomenon Sequence Variant Interpretation Standards - Updated. Collection method: curation. Allele origin: germline. Affected: yes.
Comment: GAA c.1195-8G>A is an intronic variant located in the acceptor splice region of intron 7. This variant has been observed in at least one proband with a GAA-related disorder in the compound heterozygous and/or homozygous state (PMID:21484825;18425781). It is absent or not present at a significant frequency in gnomAD. In silico models predict that this variant is possibly or probably damaging. In conclusion, we classify GAA c.1195-8G>A as a likely pathogenic variant.

Revvity Omics, Revvity
Classification: Uncertain significance. Last evaluated: 2023-04-10. Review status: criteria provided, single submitter. Criteria: ACMG Guidelines, 2015. Collection method: clinical testing. Allele origin: germline.

Labcorp Genetics (formerly Invitae), Labcorp
Classification: Uncertain significance for Glycogen storage disease, type II. Last evaluated: 2022-09-13. Review status: criteria provided, single submitter. Criteria: Invitae Variant Classification Sherloc (09022015). Collection method: clinical testing. Allele origin: germline.
Comment: This sequence change falls in intron 7 of the GAA gene. It does not directly change the encoded amino acid sequence of the GAA protein. This variant is not present in population databases (gnomAD no frequency). This variant has been observed in individual(s) with Pompe disease (PMID: 18425781, 21484825). ClinVar contains an entry for this variant (Variation ID: 570655). Algorithms developed to predict the effect of sequence changes on RNA splicing suggest that this variant may create or strengthen a splice site. In summary, the available evidence is currently insufficient to determine the role of this variant in disease. Therefore, it has been classified as a Variant of Uncertain Significance.

Literature cited by the submitters: PubMed 21484825 (cited by Genomenon, Inc and Labcorp Genetics (formerly Invitae), Labcorp); PubMed 18425781 (cited by Genomenon, Inc and Labcorp Genetics (formerly Invitae), Labcorp).